The following is an entry in ClinVar:

NM_000444.6(PHEX):c.1843dup (p.Thr615fs)

Genes: PHEX (phosphate regulating endopeptidase X-linked; plus strand), PTCHD1-AS (PTCHD1 and PHEX antisense RNA; minus strand). Cytogenetic location: Xp22.11.
Variant type: Duplication.
Coding change: c.1843dup on transcript NM_000444.6 (MANE Select); coding-DNA position 1843, one base duplicated (A; older notation c.1843dupA).
Protein change: p.Thr615fs; shifts the reading frame from threonine 615.
Molecular consequence: frameshift variant.
Genome position (GRCh38, 1-based): chrX:22,221,687, A duplicated; the last of 6 consecutive A bases (chrX:22,221,682-22,221,687); duplicating any one gives the same sequence. VCF-style (leftmost placement, unchanged base first): chrX-22221681-G-GA. GRCh37 (hg19) VCF-style: chrX-22239798-G-GA.
Other names: c.1843dup, p.Thr615fs (NM_001282754.2); c.1843dupA (NM_000444.4); short protein forms T615fs.
Identifiers: ClinVar variation 280079 (VCV000280079.6), dbSNP rs886041366, ClinGen allele CA10603650.

ClinVar aggregate classification (germline): Pathogenic. Review status: criteria provided, multiple submitters, no conflicts (2 of 4 stars). 3 submissions from 3 submitters: Pathogenic (3). Last evaluated 2023-12-07.

Submissions (3):

Labcorp Genetics (formerly Invitae), Labcorp
Classification: Pathogenic. Last evaluated: 2023-12-07. Review status: criteria provided, single submitter. Criteria: Invitae Variant Classification Sherloc (09022015). Collection method: clinical testing. Allele origin: germline.
Comment: This sequence change creates a premature translational stop signal (p.Thr615Asnfs*6) in the PHEX gene. It is expected to result in an absent or disrupted protein product. Loss-of-function variants in PHEX are known to be pathogenic (PMID: 9097956, 9106524, 19219621). This variant is not present in population databases (gnomAD no frequency). This premature translational stop signal has been observed in individual(s) with hypophosphatemic rickets (PMID: 19219621, 34141703). This variant is also known as c.1843insA (p.Thr615AsnfsX5). ClinVar contains an entry for this variant (Variation ID: 280079). For these reasons, this variant has been classified as Pathogenic.

Athena Diagnostics
Classification: Pathogenic. Last evaluated: 2016-12-20. Review status: criteria provided, single submitter. Criteria: Athena Diagnostics Criteria. Collection method: clinical testing. Allele origin: germline.

GeneDx
Classification: Pathogenic. Last evaluated: 2016-07-25. Review status: criteria provided, single submitter. Criteria: GeneDx Variant Classification (06012015). Collection method: clinical testing. Allele origin: germline. Affected: yes.
Comment: The c.1843dupA pathogenic variant in the PHEX gene has been reported previously in associationwith hypophosphatemic rickets (Gaucher et al., 2009). The duplication causes a frameshift startingwith codon Threonine 615, changes this amino acid to an Asparagine residue and creates a prematureStop codon at position 6 of the new reading frame, denoted p.Thr615AsnfsX6. This pathogenicvariant is predicted to cause loss of normal protein function either through protein truncation ornonsense-mediated mRNA decay. In addition, the c.1843dupA variant was not observed inapproximately 6,500 individuals of European and African American ancestry in the NHLBI ExomeSequencing Project.

Literature cited by the submitters: PubMed 9097956 (cited by Labcorp Genetics (formerly Invitae), Labcorp); PubMed 9106524 (cited by Labcorp Genetics (formerly Invitae), Labcorp); PubMed 19219621 (cited by Labcorp Genetics (formerly Invitae), Labcorp and Athena Diagnostics); PubMed 34141703 (cited by Labcorp Genetics (formerly Invitae), Labcorp); PubMed 27840894 (cited by Athena Diagnostics).